The following is an entry in ClinVar:

NM_007327.4(GRIN1):c.2705C>G (p.Thr902Ser)

Gene: GRIN1 (glutamate ionotropic receptor NMDA type subunit 1; plus strand). Cytogenetic location: 9q34.3.
Variant type: single nucleotide variant.
Coding change: c.2705C>G on transcript NM_007327.4 (MANE Select); coding-DNA position 2705, C replaced by G.
Protein change: p.Thr902Ser; replaces threonine 902 with serine.
Molecular consequence: missense variant. On other transcripts: intron variant (3).
Genome position (GRCh38, 1-based): chr9:137,167,415, C>G. VCF-style: chr9-137167415-C-G. GRCh37 (hg19) VCF-style: chr9-140061867-C-G.
Other names: c.2594C>G, p.Thr865Ser (NM_021569.4); c.2764-359C>G (NM_001185090.2); c.2653-359C>G (NM_001185091.2); c.2590-359C>G (NM_000832.7); short protein forms T865S, T902S.
Identifiers: ClinVar variation 1702541 (VCV001702541.2), dbSNP rs2131314853, ClinGen allele CA375729542.
Genomic context (GRCh38, chr9:137,167,415, plus strand): 5'-GGGTCCCTGGCGGCCGGCGGGGCCAGCGGGTATTGATTGTTGGTTCTTATTTATAGAGCA[C>G]CGGGGGTGGACGCGGCGCTTTGCAAAACCAAAAAGACACAGTGCTGCCGCGACGCGCTAT-3'
Protein context (NP_015566.1, residues 892-912): KRRRSSKDTS[Thr902Ser]GGGRGALQNQ

ClinVar aggregate classification (germline): Uncertain significance (1 of 4 stars; one submission).

Submission:

GeneDx
Classification: Uncertain significance. Last evaluated: 2022-02-22. Review status: criteria provided, single submitter. Criteria: GeneDx Variant Classification Process June 2021. Collection method: clinical testing. Allele origin: germline. Affected: yes.
Comment: Not observed at significant frequency in large population cohorts (gnomAD); In silico analysis supports that this missense variant does not alter protein structure/function; Has not been previously published as pathogenic or benign to our knowledge